The following is an entry in ClinVar:

ClinVar aggregate classification (germline): Uncertain significance (1 of 4 stars; one submission).

gnomAD v4.1: 6 of 1,613,854 alleles (0.00037%); highest among the groups gnomAD compares: Admixed American, 0.0017%; no homozygotes.

Submission:

GeneDx
Classification: Uncertain significance. Last evaluated: 2025-07-30. Review status: criteria provided, single submitter. Criteria: GeneDx Variant Classification Process June 2021. Collection method: clinical testing. Allele origin: germline. Affected: yes.
Comment: In silico analysis suggests that this missense variant does not alter protein structure/function; Has not been previously published as pathogenic or benign to our knowledge

NM_001256071.3(RNF213):c.9361G>A (p.Val3121Ile)

Gene: RNF213 (ring finger protein 213; plus strand). Cytogenetic location: 17q25.3.
Variant type: single nucleotide variant.
Coding change: c.9361G>A on transcript NM_001256071.3 (MANE Select); coding-DNA position 9361, G replaced by A.
Protein change: p.Val3121Ile; replaces valine 3121 with isoleucine.
Molecular consequence: missense variant.
Genome position (GRCh38, 1-based): chr17:80,347,696, G>A. VCF-style: chr17-80347696-G-A. GRCh37 (hg19) VCF-style: chr17-78321496-G-A.
Other names: c.9508G>A, p.Val3170Ile (NM_001410195.1, NM_020914.5); short protein forms V3121I, V3170I.
Identifiers: ClinVar variation 4690149 (VCV004690149.1).
Genomic context (GRCh38, chr17:80,347,696, plus strand): 5'-TTGCTTCTCAACCTGCAGAACCTCTACGAGAGCCTCTACGACGCACTCAACCAGTACTAC[G>A]TCCACCTCGGCGGCCAGAAGTACGTGGACCTCGGTCTGGGGACCCACCGCGTCAAATGTC-3'
Protein context (NP_001243000.2, residues 3111-3131): SLYDALNQYY[Val3121Ile]HLGGQKYVDL